The following is an entry in ClinVar:

ClinVar aggregate classification (germline): Conflicting classifications of pathogenicity. Review status: criteria provided, conflicting classifications (1 of 4 stars). 5 submissions from 5 submitters: Pathogenic (4); Uncertain significance (1). Last evaluated 2026-02-24.

Conditions:
Leri-Weill dyschondrosteosis (LWD). Also called: Léri-Weill dyschondrosteosis; Leri-Weill Dyschondrosteosis (LWD); DYSCHONDROSTEOSIS. Identifiers: Orphanet 240, MedGen C0265309, MONDO:0007481, OMIM 127300.
Langer mesomelic dysplasia syndrome (LMD). Also called: Langer mesomelic dysplasia; DYSCHONDROSTEOSIS, HOMOZYGOUS. Identifiers: Orphanet 2632, MedGen C0432230, MONDO:0009588, OMIM 249700.

Submissions (5):

GeneDx
Classification: Uncertain significance. Last evaluated: 2026-02-24. Review status: criteria provided, single submitter. Criteria: GeneDx Variant Classification Process June 2021. Collection method: clinical testing. Allele origin: germline.
Comment: Identified in an individual with dyschondrosteosis in published literature; please note that this variant is referred to as delC819 using alternate nomenclature (PMID: 11735031); Frameshift variant predicted to result in abnormal protein length as the last 50 amino acid(s) are replaced with 163 different amino acid(s), and other similar variants have been reported in HGMD; This variant is associated with the following publications: (PMID: 11735031, 23636926)

Women's Health and Genetics/Laboratory Corporation of America, LabCorp
Classification: Pathogenic for Langer mesomelic dysplasia syndrome. Last evaluated: 2024-12-12. Review status: criteria provided, single submitter. Criteria: LabCorp Variant Classification Summary - May 2015. Collection method: clinical testing. Allele origin: germline.
Comment: Variant summary: SHOX c.728delC (p.Pro243ArgfsX164) causes a frameshift which results in an extension of the protein by 113 amino acids. The variant allele was found at a frequency of 1.7e-05 in 118982 control chromosomes. c.728delC has been reported in the literature in individuals affected with Langer Mesomelic Dysplasia and dyschondrosterosis (Grigelioniene_2001, Bunyan_2013). These data indicate that the variant may be associated with disease. Similar extenions have been reported as pathogenic in individuals affected with Langer Mesomelic Dysplasia and dyschondrosterosis (c.728dup (Pro244Alafs*147) Variation ID: 9880 and c.805del p.(Ser269Alafs*138) Variation ID: 1686193) suggestiong that the C-terminus plays a critical role in protein function. The following publications have been ascertained in the context of this evaluation (PMID: 11735031, 23636926). ClinVar contains an entry for this variant (Variation ID: 805452). Based on the evidence outlined above, the variant was classified as pathogenic.

Mendelics
Classification: Pathogenic for Leri-Weill dyschondrosteosis. Last evaluated: 2022-05-04. Review status: criteria provided, single submitter. Criteria: Mendelics Assertion Criteria 2019. Collection method: clinical testing. Allele origin: germline.

Athena Diagnostics
Classification: Pathogenic. Last evaluated: 2018-12-05. Review status: criteria provided, single submitter. Criteria: Athena Diagnostics Criteria. Collection method: clinical testing. Allele origin: germline.
Comment: The variant results in a shift of the reading frame, and is therefore predicted to result in the loss of a functional protein. Found in at least one symptomatic patient, and not found in general population data.

Clinical Genetics and Genomics, Karolinska University Hospital
Classification: Pathogenic. Last evaluated: 2015-11-04. Review status: criteria provided, single submitter. Criteria: ACMG Guidelines, 2015. Collection method: clinical testing. Allele origin: germline. Affected: yes. Observed: 1 variant allele.

Literature cited by the submitters: PubMed 11735031 (cited by Women's Health and Genetics/Laboratory Corporation of America, LabCorp and Athena Diagnostics); PubMed 23636926 (cited by Women's Health and Genetics/Laboratory Corporation of America, LabCorp and Athena Diagnostics).

NM_000451.4(SHOX):c.728del (p.Pro243fs)

Gene: SHOX (SHOX homeobox; plus strand). Cytogenetic location: Xp22.33.
Variant type: Deletion.
Coding change: c.728del on transcript NM_000451.4 (MANE Select); coding-DNA position 728, one base deleted (C; older notation c.728delC).
Protein change: p.Pro243fs; shifts the reading frame from proline 243.
Molecular consequence: frameshift variant. On other transcripts: intron variant (1).
Genome position (GRCh38, 1-based): chrX:644,485, C deleted; the last of 6 consecutive C bases (chrX:644,480-644,485); deleting any one gives the same sequence. VCF-style (leftmost placement, unchanged base first): chrX-644479-TC-T. GRCh37 (hg19) VCF-style: chrX-605214-TC-T.
Other names: c.728delC (NM_000451.4); c.633+3398del (NM_006883.2); short protein forms P243fs.
Identifiers: ClinVar variation 805452 (VCV000805452.6), dbSNP rs757845999, ClinGen allele CA640360002.
Genomic context (GRCh38, chrX:644,479, plus strand): 5'-TGGCCCACGCGCACCCGCACCTGCACCCGCACCTGGCGGCGCACGCGCCCTACCTGATGT[TC>T]CCCCCGCCGCCCTTCGGGCTGCCCATCGCGTCGCTGGCCGAGTCCGCCTCGGCCGCCGCC-3'